The following is an entry in ClinVar:

NM_001348768.2(HECW2):c.1532A>G (p.Asn511Ser)

Gene: HECW2 (HECT, C2 and WW domain containing E3 ubiquitin protein ligase 2; minus strand). Cytogenetic location: 2q32.3.
Variant type: single nucleotide variant.
Coding change: c.1532A>G on transcript NM_001348768.2 (MANE Select); coding-DNA position 1532, A replaced by G.
Protein change: p.Asn511Ser; replaces asparagine 511 with serine.
Molecular consequence: missense variant.
Genome position (GRCh38, 1-based): chr2:196,319,358, T>C on the plus strand (A>G on the coding strand, the complement: HECW2 is on the minus strand). VCF-style: chr2-196319358-T-C. GRCh37 (hg19) VCF-style: chr2-197184082-T-C.
Other names: c.464A>G, p.Asn155Ser (NM_001304840.3); c.1532A>G, p.Asn511Ser (NM_020760.4); short protein forms N155S, N511S.
Identifiers: ClinVar variation 2585516 (VCV002585516.1), dbSNP rs1575409281, ClinGen allele CA349965986.

ClinVar aggregate classification (germline): Uncertain significance (1 of 4 stars; one submission).

Conditions:
Neurodevelopmental disorder with hypotonia, seizures, and absent language (NDHSAL). Identifiers: MedGen C4310643, MONDO:0014995, OMIM 617268.

Allele frequency attached by ClinVar (database versions not stated): gnomAD exomes below 0.00001.
gnomAD v4.1: 3 of 1,614,182 alleles (0.00019%); highest among the groups gnomAD compares: South Asian, 0.0022%; no homozygotes.

Submission:

Neuberg Centre For Genomic Medicine, NCGM
Classification: Uncertain significance for Neurodevelopmental disorder with hypotonia, seizures, and absent language. Review status: criteria provided, single submitter. Criteria: ACMG Guidelines, 2015. Collection method: clinical testing. Allele origin: germline. Inheritance: Autosomal dominant inheritance. Affected: yes.
Comment: The missense variant in c.1532A>G (p.Asn511Ser) in HECW2 gene has not been reported previously as a pathogenic variant nor as a benign variant, to our knowledge. This variant has not been reported to the ClinVar database. The p.Asn511Ser variant is novel (not in any individuals) in gnomAD Exomes and 1000 Genomes. The amino acid Asn at position 511 is changed to a Ser changing protein sequence and it might alter its composition and physico-chemical properties. In silico tools predict the variant to be tolerated. The residue is variable across species. For these reasons, this variant has been classified as Uncertain Significance (VUS).